The following is an entry in ClinVar:

ClinVar aggregate classification (germline): Uncertain significance. Review status: criteria provided, multiple submitters, no conflicts (2 of 4 stars). 2 submissions from 2 submitters: Uncertain significance (2). Last evaluated 2023-07-20.

Allele frequency attached by ClinVar (database versions not stated): gnomAD exomes 0.00001.
gnomAD v4.1: 8 of 1,613,020 alleles (0.0005%); highest among the groups gnomAD compares: East Asian, 0.0022%; no homozygotes.

Submissions (2):

Blueprint Genetics
Classification: Uncertain significance. Last evaluated: 2023-07-20. Review status: criteria provided, single submitter. Criteria: ACMG Guidelines, 2015. Collection method: clinical testing. Allele origin: germline.

Labcorp Genetics (formerly Invitae), Labcorp
Classification: Uncertain significance. Last evaluated: 2022-06-25. Review status: criteria provided, single submitter. Criteria: Invitae Variant Classification Sherloc (09022015). Collection method: clinical testing. Allele origin: germline.
Comment: This variant has not been reported in the literature in individuals affected with KIZ-related conditions. In summary, the available evidence is currently insufficient to determine the role of this variant in disease. Therefore, it has been classified as a Variant of Uncertain Significance. Experimental studies and prediction algorithms are not available or were not evaluated, and the functional significance of this variant is currently unknown. ClinVar contains an entry for this variant (Variation ID: 1047090). This variant is not present in population databases (gnomAD no frequency). This sequence change replaces arginine, which is basic and polar, with cysteine, which is neutral and slightly polar, at codon 162 of the KIZ protein (p.Arg162Cys).

NM_018474.6(KIZ):c.484C>T (p.Arg162Cys)

Gene: KIZ (kizuna centrosomal protein; plus strand). Cytogenetic location: 20p11.23.
Variant type: single nucleotide variant.
Coding change: c.484C>T on transcript NM_018474.6 (MANE Select); coding-DNA position 484, C replaced by T.
Protein change: p.Arg162Cys; replaces arginine 162 with cysteine.
Molecular consequence: missense variant.
Genome position (GRCh38, 1-based): chr20:21,161,949, C>T. VCF-style: chr20-21161949-C-T. GRCh37 (hg19) VCF-style: chr20-21142590-C-T.
Other names: c.175C>T, p.Arg59Cys (NM_001163022.3, NM_001352435.2); c.85C>T, p.Arg29Cys (NM_001163023.3); c.337C>T, p.Arg113Cys (NM_001276389.2); c.484C>T, p.Arg162Cys (NM_001352434.2); c.142C>T, p.Arg48Cys (NM_001352436.2); short protein forms R113C, R48C, R162C, R29C, R59C.
Identifiers: ClinVar variation 1047090 (VCV001047090.11), dbSNP rs888105546, ClinGen allele CA312979694.